The following is an entry in ClinVar:

ClinVar aggregate classification (germline): Uncertain significance (1 of 4 stars; one submission).

Conditions:
GNAS-related disorder. Identifiers: MedGen CN380105.

gnomAD v4.1: 15 of 1,610,850 alleles (0.00093%); highest among the groups gnomAD compares: East Asian, 0.016%; no homozygotes.

Submission:

PreventionGenetics, part of Exact Sciences
Classification: Uncertain significance for GNAS-related condition. Last evaluated: 2026-08-17. Review status: criteria provided, single submitter. Criteria: ACMG Guidelines, 2015. Collection method: clinical testing. Allele origin: germline.
Comment: The GNAS c.1906G>A variant is predicted to result in the amino acid substitution p.Val636Ile. To our knowledge, this variant has not been reported in the literature. This variant is reported in 0.023% of alleles in individuals of East Asian descent in gnomAD. At this time, the clinical significance of this variant is uncertain due to the absence of conclusive functional and genetic evidence.

NM_080425.4(GNAS):c.1906G>A (p.Val636Ile)

Gene: GNAS (GNAS complex locus; plus strand). Cytogenetic location: 20q13.32.
Variant type: single nucleotide variant.
Coding change: c.1906G>A on transcript NM_080425.4 (MANE Plus Clinical); coding-DNA position 1906, G replaced by A.
Protein change: p.Val636Ile; replaces valine 636 with isoleucine.
Molecular consequence: missense variant. On other transcripts: synonymous variant (2), intron variant (3).
Genome position (GRCh38, 1-based): chr20:58,855,171, G>A. VCF-style: chr20-58855171-G-A. GRCh37 (hg19) VCF-style: chr20-57430226-G-A.
Other names: c.1719G>A, p.Arg573= (NM_001077490.3, NM_001309883.1); c.1906G>A, p.Val636Ile (NM_001410913.1); c.*42+14285G>A (NM_016592.5); c.43+14285G>A (NM_001410912.1); c.-39+13296G>A (NM_001309861.2); short protein forms V636I.
Identifiers: ClinVar variation 4980626 (VCV004980626.1).